The following is an entry in ClinVar:

NM_030777.3(SLC2A10):c.-321C>A

Gene: SLC2A10 (solute carrier family 2 member 10; plus strand). Cytogenetic location: 20q13.12.
Variant type: single nucleotide variant.
Coding change: c.-321C>A on transcript NM_030777.3; 321 bases upstream of the start codon, C replaced by A.
Genome position (GRCh38, 1-based): chr20:46,709,416, C>A. VCF-style: chr20-46709416-C-A. GRCh37 (hg19) VCF-style: chr20-45338055-C-A.
Identifiers: ClinVar variation 669414 (VCV000669414.4), dbSNP rs73115554, ClinGen allele CA14789000.

ClinVar aggregate classification (germline): Likely benign. Review status: criteria provided, multiple submitters, no conflicts (2 of 4 stars). 2 submissions from 2 submitters: Likely benign (2). Last evaluated 2018-06-14.

Allele frequency attached by ClinVar (database versions not stated): 1000 Genomes Project 30x 0.01671; TOPMed 0.03034; gnomAD 0.03270 and 0.03178; 1000 Genomes Project 0.01577; gnomAD exomes 0.03901.
gnomAD v4.1: 15,233 of 417,440 alleles (3.6%); highest among the groups gnomAD compares: Non-Finnish European, 4.5%; 343 homozygotes.

Submissions (2):

GeneDx
Classification: Likely benign. Last evaluated: 2018-06-14. Review status: criteria provided, single submitter. Criteria: GeneDx Variant Classification (06012015). Collection method: clinical testing. Allele origin: germline. Affected: yes.
Comment: This variant is considered likely benign or benign based on one or more of the following criteria: it is a conservative change, it occurs at a poorly conserved position in the protein, it is predicted to be benign by multiple in silico algorithms, and/or has population frequency not consistent with disease.

Breakthrough Genomics
Classification: Likely benign. Review status: criteria provided, single submitter. Criteria: ACMG Guidelines, 2015. Collection method: not provided. Allele origin: germline. Inheritance: Autosomal recessive inheritance. Affected: yes.